The following is an entry in ClinVar:

ClinVar aggregate classification (germline): Pathogenic (1 of 4 stars; one submission).

Conditions:
Bloom syndrome (BLM). Also called: Bloom-Torre-Machacek syndrome. Identifiers: Orphanet 125, MedGen C0005859, MONDO:0008876, OMIM 210900.

Submission:

Labcorp Genetics (formerly Invitae), Labcorp
Classification: Pathogenic for Bloom syndrome. Last evaluated: 2023-04-07. Review status: criteria provided, single submitter. Criteria: Invitae Variant Classification Sherloc (09022015). Collection method: clinical testing. Allele origin: unknown.
Comment: For these reasons, this variant has been classified as Pathogenic. This variant disrupts a region of the BLM protein in which other variant(s) (p.Cys1055Ser) have been determined to be pathogenic (PMID: 7585968, 9840919, 10069810, 11399766, 17407155, 28877996). This suggests that this is a clinically significant region of the protein, and that variants that disrupt it are likely to be disease-causing. This variant disrupts the nuclear localization signal (NLS) and the topoisomerase I (TOP1) domain of BLM protein, which are critical for BLM localization to the nucleus and TOP1-mediated RNA:DNA unwinding (PMID: 27657136, 9388480, 10569803, 27657136). While functional studies have not been performed to directly test the effect of this variant on BLM protein function, this suggests that disruption of this region of the protein is causative of disease. This variant has not been reported in the literature in individuals affected with BLM-related conditions. This variant is a gross deletion of the genomic region encompassing exon(s) 16-21 of the BLM gene. While this deletion is not anticipated to lead to nonsense mediated decay, it is expected to disrupt the C-terminus of the protein.

Literature cited by the submitters: PubMed 7585968; PubMed 9840919; PubMed 10069810; PubMed 11399766; PubMed 17407155; PubMed 28877996; PubMed 27657136; PubMed 9388480; PubMed 10569803.

NC_000015.9:g.(?_91337387)_(91354646_?)del

Gene: BLM (BLM RecQ like helicase; plus strand). Cytogenetic location: 15q26.1.
Variant type: Deletion.
Identifiers: ClinVar variation 3243687 (VCV003243687.1).